The following is an entry in ClinVar:

ClinVar aggregate classification (germline): Uncertain significance. Review status: criteria provided, multiple submitters, no conflicts (2 of 4 stars). 2 submissions from 2 submitters: Uncertain significance (2). Last evaluated 2026-05-13.

Submissions (2):

Women's Health and Genetics/Laboratory Corporation of America, LabCorp
Classification: Uncertain significance. Last evaluated: 2026-05-13. Review status: criteria provided, single submitter. Criteria: LabCorp Variant Classification Summary - May 2015. Collection method: clinical testing. Allele origin: germline.
Comment: Variant summary: MYBPC3 c.1897+4A>T alters a nucleotide located close to a canonical splice site and therefore could affect mRNA splicing, leading to a significantly altered protein sequence. Several computational tools predict a significant impact on normal splicing: Two predict the variant abolishes a 5' splicing donor site. Three predict the variant weakens a 5' donor site. Three predict the variant creates a 3' acceptor site. However, these predictions have yet to be confirmed by functional studies. The variant was absent in 214468 control chromosomes. c.1897+4A>T has been observed in a family affected with Hypertrophic Cardiomyopathy (Liu_2024). These data indicate that the variant may be associated with disease. To our knowledge, no experimental evidence demonstrating an impact on protein function has been reported. The following publication have been ascertained in the context of this evaluation (PMID: 39738666). ClinVar contains an entry for this variant (Variation ID: 2579929). Based on the evidence outlined above, the variant was classified as VUS-possibly pathogenic.

GeneDx
Classification: Uncertain significance. Last evaluated: 2023-03-16. Review status: criteria provided, single submitter. Criteria: GeneDx Variant Classification Process June 2021. Collection method: clinical testing. Allele origin: germline. Affected: yes.
Comment: Has not been previously published as pathogenic or benign to our knowledge; Not observed at significant frequency in large population cohorts (gnomAD); In silico analysis supports a deleterious effect on splicing

Literature cited by the submitters: PubMed 39738666 (cited by Women's Health and Genetics/Laboratory Corporation of America, LabCorp).

NM_000256.3(MYBPC3):c.1897+4A>T

Gene: MYBPC3 (myosin binding protein C3; minus strand). Cytogenetic location: 11p11.2.
Variant type: single nucleotide variant.
Coding change: c.1897+4A>T on transcript NM_000256.3 (MANE Select); 4 bases into the intron after coding-DNA position 1897, A replaced by T.
Molecular consequence: intron variant.
Genome position (GRCh38, 1-based): chr11:47,341,134, T>A on the plus strand (A>T on the coding strand, the complement: MYBPC3 is on the minus strand). VCF-style: chr11-47341134-T-A. GRCh37 (hg19) VCF-style: chr11-47362685-T-A.
Identifiers: ClinVar variation 2579929 (VCV002579929.2), dbSNP rs730880557, ClinGen allele CA2580617956.